The following is an entry in ClinVar:

ClinVar aggregate classification (germline): Uncertain significance (1 of 4 stars; one submission).

Conditions:
Charcot-Marie-Tooth disease axonal type 2F (CMT2F). Also called: CHARCOT-MARIE-TOOTH DISEASE, NEURONAL, TYPE 2F; Charcot-Marie-Tooth Neuropathy Type 2F. Identifiers: Orphanet 99940, MedGen C1847823, MONDO:0011687, OMIM 606595.

Submission:

Labcorp Genetics (formerly Invitae), Labcorp
Classification: Uncertain significance for Charcot-Marie-Tooth disease axonal type 2F. Last evaluated: 2019-04-06. Review status: criteria provided, single submitter. Criteria: Invitae Variant Classification Sherloc (09022015). Collection method: clinical testing. Allele origin: germline.
Comment: In summary, the available evidence is currently insufficient to determine the role of this variant in disease. Therefore, it has been classified as a Variant of Uncertain Significance. Algorithms developed to predict the effect of missense changes on protein structure and function are either unavailable or do not agree on the potential impact of this missense change (SIFT: "Deleterious"; PolyPhen-2: "Possibly Damaging"; Align-GVGD: "C0"). This variant has not been reported in the literature in individuals with HSPB1-related conditions. The frequency data for this variant in the population databases is considered unreliable, as metrics indicate insufficient coverage at this position in the ExAC database. This sequence change replaces serine with isoleucine at codon 78 of the HSPB1 protein (p.Ser78Ile). The serine residue is moderately conserved and there is a large physicochemical difference between serine and isoleucine.

NM_001540.5(HSPB1):c.233_234delinsTT (p.Ser78Ile)

Gene: HSPB1 (heat shock protein family B (small) member 1; plus strand). Cytogenetic location: 7q11.23.
Variant type: Indel.
Coding change: c.233_234delinsTT on transcript NM_001540.5 (MANE Select); coding-DNA positions 233 to 234, GC replaced by TT.
Protein change: p.Ser78Ile; replaces serine 78 with isoleucine.
Molecular consequence: missense variant.
Genome position (GRCh38, 1-based): chr7:76,302,945-76,302,946, GC replaced by TT. VCF-style: chr7-76302945-GC-TT. GRCh37 (hg19) VCF-style: chr7-75932262-GC-TT.
Other names: short protein forms S78I.
Identifiers: ClinVar variation 841120 (VCV000841120.8), dbSNP rs1803026258, ClinGen allele CA916080372.